The following is an entry in ClinVar:

ClinVar aggregate classification (germline): Uncertain significance (1 of 4 stars; one submission).

Submission:

Labcorp Genetics (formerly Invitae), Labcorp
Classification: Uncertain significance. Last evaluated: 2023-10-19. Review status: criteria provided, single submitter. Criteria: Invitae Variant Classification Sherloc (09022015). Collection method: clinical testing. Allele origin: germline.
Comment: This sequence change replaces valine, which is neutral and non-polar, with leucine, which is neutral and non-polar, at codon 438 of the DIP2C protein (p.Val438Leu). This variant is not present in population databases (gnomAD no frequency). This variant has not been reported in the literature in individuals affected with DIP2C-related conditions. An algorithm developed to predict the effect of missense changes on protein structure and function (PolyPhen-2) suggests that this variant is likely to be disruptive. In summary, the available evidence is currently insufficient to determine the role of this variant in disease. Therefore, it has been classified as a Variant of Uncertain Significance.

NM_014974.3(DIP2C):c.1312G>T (p.Val438Leu)

Gene: DIP2C (DIP2 acetate--CoA ligase C (putative); minus strand). Cytogenetic location: 10p15.3.
Variant type: single nucleotide variant.
Coding change: c.1312G>T on transcript NM_014974.3 (MANE Select); coding-DNA position 1312, G replaced by T.
Protein change: p.Val438Leu; replaces valine 438 with leucine.
Molecular consequence: missense variant.
Genome position (GRCh38, 1-based): chr10:390,812, C>A on the plus strand (G>T on the coding strand, the complement: DIP2C is on the minus strand). VCF-style: chr10-390812-C-A. GRCh37 (hg19) VCF-style: chr10-436752-C-A.
Other names: short protein forms V438L.
Identifiers: ClinVar variation 2955279 (VCV002955279.3), dbSNP rs1963402895, ClinGen allele CA375829770.
Genomic context (GRCh38, chr10:390,812, plus strand): 5'-GGATCTCTCCCGTTGGGCTTTTTGGAAGTCCTTTATGGCAGGCGTCACTAGTCAAGGCTA[C>A]AGTAACTCCACAGCTTCCAAGCAAGAAACCTATCTGCTGGCTCCCTGCGTCCTGAGAGGG-3'
Protein context (NP_055789.1, residues 428-448): GFLLGSCGVT[Val438Leu]ALTSDACHKG